The following is an entry in ClinVar:

ClinVar aggregate classification (germline): Uncertain significance (0 of 4 stars; one submission).

Allele frequency attached by ClinVar (database versions not stated): 1000 Genomes Project 30x 0.00094; gnomAD 0.00006 and 0.00009; TOPMed 0.00015; 1000 Genomes Project 0.00080.
gnomAD v4.1: 123 of 1,613,724 alleles (0.0076%); highest among the groups gnomAD compares: East Asian, 0.17%; no homozygotes.

Submission:

Department of Pathology and Laboratory Medicine, Sinai Health System
Classification: Uncertain significance. Review status: no assertion criteria provided. Collection method: clinical testing. Allele origin: unknown. Affected: yes. Study: The Canadian Open Genetics Repository (COGR).
Comment: The CAPN10 p.Pro320Pro variant was not identified in the literature nor was it identified in ClinVar, Cosmic or LOVD 3.0. The variant was identified in dbSNP (ID: rs201300160) and in control databases in 56 of 281492 chromosomes at a frequency of 0.000199 (Genome Aggregation Database Feb 27, 2017). The variant was observed in the following populations: East Asian in 49 of 19942 chromosomes (freq: 0.002457), Latino in 2 of 35408 chromosomes (freq: 0.000056), African in 1 of 24888 chromosomes (freq: 0.00004) and European (non-Finnish) in 4 of 128150 chromosomes (freq: 0.000031), but not in the Ashkenazi Jewish, European (Finnish), Other, and South Asian populations. The p.Pro320Pro variant is not expected to have clinical significance because it does not result in a change of amino acid and is not located in a known consensus splice site. The variant occurs outside of the splicing consensus sequence and only 2 of 4 in silico or computational prediction software programs (SpliceSiteFinder, MaxEntScan, NNSPLICE, GeneSplicer) predict a greater than 10% difference in splicing; this is not very predictive of pathogenicity. In summary, based on the above information the clinical significance of this variant cannot be determined with certainty at this time. This variant is classified as a variant of uncertain significance.

NM_023083.4(CAPN10):c.960G>A (p.Pro320=)

Gene: CAPN10 (calpain 10; plus strand). Cytogenetic location: 2q37.3.
Variant type: single nucleotide variant.
Coding change: c.960G>A on transcript NM_023083.4 (MANE Select); coding-DNA position 960, G replaced by A.
Protein change: p.Pro320=; no amino-acid change (proline 320 retained).
Molecular consequence: synonymous variant.
Genome position (GRCh38, 1-based): chr2:240,594,672, G>A. VCF-style: chr2-240594672-G-A. GRCh37 (hg19) VCF-style: chr2-241534089-G-A.
Other names: c.960G>A, p.Pro320= (NM_023085.4).
Identifiers: ClinVar variation 1049974 (VCV001049974.1), dbSNP rs201300160, ClinGen allele CA2205662.